The following is an entry in ClinVar:

ClinVar aggregate classification (germline): Likely benign (1 of 4 stars; one submission).

Submission:

CeGaT Center for Human Genetics Tuebingen
Classification: Likely benign. Last evaluated: 2026-07-01. Review status: criteria provided, single submitter. Criteria: CeGaT Center For Human Genetics Tuebingen Variant Classification Criteria Version 2. Collection method: clinical testing. Allele origin: germline. Affected: yes. Observed: 1 variant allele.
Comment: PLA2G6: PM2:Supporting, BP4, BP7

NM_003560.4(PLA2G6):c.1392G>T (p.Ala464=)

Gene: PLA2G6 (phospholipase A2 group VI; minus strand). Cytogenetic location: 22q13.1.
Variant type: single nucleotide variant.
Coding change: c.1392G>T on transcript NM_003560.4 (MANE Select); coding-DNA position 1392, G replaced by T.
Protein change: p.Ala464=; no amino-acid change (alanine 464 retained).
Molecular consequence: synonymous variant.
Genome position (GRCh38, 1-based): chr22:38,126,406, C>A on the plus strand (G>T on the coding strand, the complement: PLA2G6 is on the minus strand). VCF-style: chr22-38126406-C-A. GRCh37 (hg19) VCF-style: chr22-38522413-C-A.
Other names: c.1230G>T, p.Ala410= (NM_001004426.3, NM_001199562.3, NM_001349865.2 and 1 more transcripts); c.1392G>T, p.Ala464= (NM_001349864.2); c.714G>T, p.Ala238= (NM_001349868.2); c.696G>T, p.Ala232= (NM_001349869.2); c.858G>T, p.Ala286= (NM_001349867.2).
Identifiers: ClinVar variation 5040338 (VCV005040338.1).
Genomic context (GRCh38, chr22:38,126,406, plus strand): 5'-CTGCCCCCGATCTCGATCCACTTACGTCCGCTTCTCGTCCCTCATGGAGCCCAGGATGAA[C>A]GCTGGCTTCCGGGCCCGTGAGATGTGCATGAGATCCTGTAGTTCTGTGAGGCACAGAGCA-3'
Protein context (NP_003551.2, residues 454-474): LMHISRARKP[Ala464=]FILGSMRDEK